The following is an entry in ClinVar:

NM_006269.2(RP1):c.3047A>G (p.Tyr1016Cys)

Gene: RP1 (RP1 axonemal microtubule associated; plus strand). Cytogenetic location: 8q12.1.
Variant type: single nucleotide variant.
Coding change: c.3047A>G on transcript NM_006269.2 (MANE Select); coding-DNA position 3047, A replaced by G.
Protein change: p.Tyr1016Cys; replaces tyrosine 1016 with cysteine.
Molecular consequence: missense variant. On other transcripts: intron variant (1).
Genome position (GRCh38, 1-based): chr8:54,626,929, A>G. VCF-style: chr8-54626929-A-G. GRCh37 (hg19) VCF-style: chr8-55539489-A-G.
Other names: c.787+4641A>G (NM_001375654.1); short protein forms Y1016C.
Identifiers: ClinVar variation 1714644 (VCV001714644.5), dbSNP rs2536577658, ClinGen allele CA370995232.

ClinVar aggregate classification (germline): Uncertain significance (1 of 4 stars; one submission).

Allele frequency attached by ClinVar (database versions not stated): gnomAD exomes below 0.00001.
gnomAD v4.1: 2 of 1,613,986 alleles (0.00012%); highest among the groups gnomAD compares: Non-Finnish European, 0.00017%; no homozygotes.

Submission:

Labcorp Genetics (formerly Invitae), Labcorp
Classification: Uncertain significance. Last evaluated: 2022-08-11. Review status: criteria provided, single submitter. Criteria: Invitae Variant Classification Sherloc (09022015). Collection method: clinical testing. Allele origin: germline.
Comment: This variant is not present in population databases (gnomAD no frequency). This variant has not been reported in the literature in individuals affected with RP1-related conditions. Algorithms developed to predict the effect of missense changes on protein structure and function output the following: SIFT: "Tolerated"; PolyPhen-2: "Benign"; Align-GVGD: "Class C0". The cysteine amino acid residue is found in multiple mammalian species, which suggests that this missense change does not adversely affect protein function. In summary, the available evidence is currently insufficient to determine the role of this variant in disease. Therefore, it has been classified as a Variant of Uncertain Significance. This sequence change replaces tyrosine, which is neutral and polar, with cysteine, which is neutral and slightly polar, at codon 1016 of the RP1 protein (p.Tyr1016Cys).